The following is an entry in ClinVar:

ClinVar aggregate classification (germline): Benign. Review status: criteria provided, multiple submitters, no conflicts (2 of 4 stars). 2 submissions from 2 submitters: Benign (2). Last evaluated 2018-01-13.

Conditions:
Diaphyseal medullary stenosis-bone malignancy syndrome. Also called: MYOPATHY, LIMB-GIRDLE, WITH BONE FRAGILITY; BONE DYSPLASIA WITH MALIGNANT FIBROUS HISTIOCYTOMA; BONE DYSPLASIA WITH MEDULLARY FIBROSARCOMA. Identifiers: Orphanet 85182, MedGen C1862177, MONDO:0007205, OMIM 112250.

Allele frequency attached by ClinVar (database versions not stated): TOPMed 0.03385; 1000 Genomes Project 0.03974; 1000 Genomes Project 30x 0.04013.
gnomAD v4.1: 8,561 of 753,330 alleles (1.1%); highest among the groups gnomAD compares: African/African-American, 9.2%; 292 homozygotes.

Submissions (2):

Illumina Laboratory Services, Illumina
Classification: Benign for Diaphyseal medullary stenosis-bone malignancy syndrome. Last evaluated: 2018-01-13. Review status: criteria provided, single submitter. Criteria: ICSL Variant Classification Criteria 13 December 2019. Collection method: clinical testing. Allele origin: germline.
Comment: This variant was observed in the ICSL laboratory as part of a predisposition screen in an ostensibly healthy population. It had not been previously curated by ICSL or reported in the Human Gene Mutation Database (HGMD: prior to June 1st, 2018), and was therefore a candidate for classification through an automated scoring system. Utilizing variant allele frequency, disease prevalence and penetrance estimates, and inheritance mode, an automated score was calculated to assess if this variant is too frequent to cause the disease. Based on the score and internal cut-off values, a variant classified as benign is not then subjected to further curation. The score for this variant resulted in a classification of benign for this disease.

Breakthrough Genomics
Classification: Benign. Review status: criteria provided, single submitter. Criteria: ACMG Guidelines, 2015. Collection method: not provided. Allele origin: germline. Inheritance: Autosomal dominant inheritance. Affected: yes.

NM_002451.4(MTAP):c.*259C>A

Gene: MTAP (methylthioadenosine phosphorylase; plus strand). Cytogenetic location: 9p21.3.
Variant type: single nucleotide variant.
Coding change: c.*259C>A on transcript NM_002451.4 (MANE Select); 259 bases downstream of the stop codon, C replaced by A.
Molecular consequence: 3 prime UTR variant.
Genome position (GRCh38, 1-based): chr9:21,862,273, C>A. VCF-style: chr9-21862273-C-A. GRCh37 (hg19) VCF-style: chr9-21862272-C-A.
Identifiers: ClinVar variation 366257 (VCV000366257.6), dbSNP rs78195856, ClinGen allele CA10633235.
Genomic context (GRCh38, chr9:21,862,273, plus strand): 5'-AAAGCAAATGACTAGTAAACATGTGGGAAAAAATATTACATTTTAAGGGGGAAAAAAAAA[C>A]CCACCATTCTCTTCTCCCCCTATTAAATTTGCAACAATAAAGGGTGGAGGGTAATCTCTA-3'